The following is an entry in ClinVar:

NM_014159.7(SETD2):c.3026T>C (p.Met1009Thr)

Gene: SETD2 (SET domain containing 2, histone lysine methyltransferase; minus strand). Cytogenetic location: 3p21.31.
Variant type: single nucleotide variant.
Coding change: c.3026T>C on transcript NM_014159.7 (MANE Select); coding-DNA position 3026, T replaced by C.
Protein change: p.Met1009Thr; replaces methionine 1009 with threonine.
Molecular consequence: missense variant. On other transcripts: non-coding transcript variant (1).
Genome position (GRCh38, 1-based): chr3:47,121,610, A>G on the plus strand (T>C on the coding strand, the complement: SETD2 is on the minus strand). VCF-style: chr3-47121610-A-G. GRCh37 (hg19) VCF-style: chr3-47163100-A-G.
Other names: c.2894T>C, p.Met965Thr (NM_001349370.3); short protein forms M965T, M1009T.
Identifiers: ClinVar variation 833850 (VCV000833850.14), dbSNP rs114527197, ClinGen allele CA2363444.

ClinVar aggregate classification (germline): Conflicting classifications of pathogenicity. Review status: criteria provided, conflicting classifications (1 of 4 stars). 5 submissions from 4 submitters: Uncertain significance (3); Benign (1); Likely benign (1). Last evaluated 2025-12-23.

Conditions:
Rabin-Pappas syndrome. Identifiers: MedGen C5774269, MONDO:0859331, OMIM 620155.
Intellectual developmental disorder, autosomal dominant 70. Identifiers: MedGen C5774271, MONDO:0859333, OMIM 620157.
Luscan-Lumish syndrome. Identifiers: Orphanet 597738, MedGen C4085873, MONDO:0014791, OMIM 616831.

Allele frequency attached by ClinVar (database versions not stated): gnomAD 0.00005 and 0.00008; ExAC 0.00006; gnomAD exomes 0.00006 and 0.00007; TOPMed 0.00008; 1000 Genomes Project 30x 0.00016; 1000 Genomes Project 0.00020.

Submissions (5):

Labcorp Genetics (formerly Invitae), Labcorp
Classification: Benign for Luscan-Lumish syndrome. Last evaluated: 2025-12-23. Review status: criteria provided, single submitter. Criteria: Invitae Variant Classification Sherloc (09022015). Collection method: clinical testing. Allele origin: germline.

Center for Genomics, Ann and Robert H. Lurie Children's Hospital of Chicago
Classification: Uncertain significance for Luscan-Lumish syndrome. Last evaluated: 2022-02-11. Review status: criteria provided, single submitter. Criteria: ACMG Guidelines, 2015. Collection method: clinical testing. Allele origin: germline.
Comment: SETD2 NM_014159.6 exon 3 p.Met1009Thr (c.3026T>C): This variant has not been reported in the literature but present in 0.01% (7/68030) of European alleles in the Genome Aggregation Database. This variant is present in ClinVar (Variation ID:833850). This variant amino acid Threonine (Thr) is present in several species including multiple mammals and is not well conserved among evolutionarily distant species; this suggests that this variant may not impact the protein. Additional computational prediction tools do not suggest an impact. In summary, data on this variant is insufficient for disease classification. Therefore, the clinical significance of this variant is uncertain.

New York Genome Center
Classification: Uncertain significance for Luscan-Lumish syndrome. Last evaluated: 2021-03-12. Review status: criteria provided, single submitter. Criteria: NYGC Assertion Criteria 2020. Collection method: clinical testing. Allele origin: inherited. Observed: 1 heterozygote. Study: CSER-NYCKidSeq.

Department of Pathology and Laboratory Medicine, Sinai Health System
Classification: Likely benign for Luscan-Lumish syndrome; Rabin-Pappas syndrome; Intellectual developmental disorder, autosomal dominant 70. Last evaluated: 2020-05-29. Review status: criteria provided, single submitter. Criteria: ACMG Guidelines, 2015. Collection method: research. Allele origin: germline.

Center for Genomics, Ann and Robert H. Lurie Children's Hospital of Chicago
Classification: Uncertain significance for Luscan-Lumish syndrome; Intellectual developmental disorder, autosomal dominant 70; Rabin-Pappas syndrome. Review status: criteria provided, single submitter. Criteria: ACMG Guidelines, 2015. Collection method: clinical testing. Allele origin: germline.
Comment: This variant has not been reported in the literature but present in 0.01% (7/68030) of European alleles in the Genome Aggregation Database (47121610 A G?dataset=gnomad_r3). This variant is present in ClinVar (Variation ID:833850). This variant amino acid Threonine (Thr) is present in several species including multiple mammals and is not well conserved among evolutionarily distant species; this suggests that this variant may not impact the protein. Additional computational prediction tools do not suggest an impact. In summary, data on this variant is insufficient for disease classification. Therefore, the clinical significance of this variant is uncertain.